The following is an entry in ClinVar:

NM_001267550.2(TTN):c.98680T>C (p.Leu32894=)

Genes: TTN (titin; minus strand), TTN-AS1 (TTN antisense RNA 1; plus strand). Cytogenetic location: 2q31.2.
Variant type: single nucleotide variant.
Coding change: c.98680T>C on transcript NM_001267550.2 (MANE Select); coding-DNA position 98680, T replaced by C.
Protein change: p.Leu32894=; no amino-acid change (leucine 32894 retained).
Molecular consequence: synonymous variant. On other transcripts: non-coding transcript variant (1).
Genome position (GRCh38, 1-based): chr2:178,539,385, A>G on the plus strand (T>C on the coding strand, the complement: TTN is on the minus strand). VCF-style: chr2-178539385-A-G. GRCh37 (hg19) VCF-style: chr2-179404112-A-G.
Other names: p.Leu31253=; c.93757T>C, p.Leu31253= (NM_001256850.1); c.71485T>C, p.Leu23829= (NM_003319.4); c.90976T>C, p.Leu30326= (NM_133378.4); c.71860T>C, p.Leu23954= (NM_133432.3); c.72061T>C, p.Leu24021= (NM_133437.4).
Identifiers: ClinVar variation 512881 (VCV000512881.16), dbSNP rs776366085, ClinGen allele CA1986340.
Genomic context (GRCh38, chr2:178,539,385, plus strand): 5'-AAAAACAGAAAAGTGCTGAAATAATGTTTATAATTTTGTGGTTGAAAGGGCACTTACTCA[A>G]TGGTGTTTTTGGTGTGACTGGTTCCTCAGATTTCAAGGGTTTGCTTATGCCAAACTGGTT-3'
Protein context (NP_001254479.2, residues 32884-32904): SEEPVTPKTP[Leu32894=]NPPEPPSNPP

ClinVar aggregate classification (germline): Likely benign. Review status: criteria provided, multiple submitters, no conflicts (2 of 4 stars). 4 submissions from 4 submitters: Likely benign (4). Last evaluated 2025-09-21.

Conditions:
Autosomal recessive limb-girdle muscular dystrophy type 2J (LGMDR10). Also called: MUSCULAR DYSTROPHY, LIMB-GIRDLE, AUTOSOMAL RECESSIVE 10; Limb-girdle muscular dystrophy, type 2J. Identifiers: Orphanet 140922, MedGen C1837342, MONDO:0012127, OMIM 608807.
Dilated cardiomyopathy 1G (CMD1G). Identifiers: Orphanet 154, MedGen C1858763, MONDO:0011400, OMIM 604145.
Cardiovascular phenotype. Identifiers: MedGen CN230736.

Allele frequency attached by ClinVar (database versions not stated): ExAC 0.00001; gnomAD exomes 0.00001 and 0.00002; gnomAD 0.00002; TOPMed 0.00003.

Submissions (4):

Labcorp Genetics (formerly Invitae), Labcorp
Classification: Likely benign for Dilated cardiomyopathy 1G; Autosomal recessive limb-girdle muscular dystrophy type 2J. Last evaluated: 2025-09-21. Review status: criteria provided, single submitter. Criteria: Invitae Variant Classification Sherloc (09022015). Collection method: clinical testing. Allele origin: germline.

Mayo Clinic Laboratories, Mayo Clinic
Classification: Likely benign. Last evaluated: 2025-03-19. Review status: criteria provided, single submitter. Criteria: ACMG Guidelines, 2015. Collection method: clinical testing. Allele origin: germline. Observed: 1 variant allele.
Comment: BP4, BP7, PM2_supporting

Ambry Genetics
Classification: Likely benign for Cardiovascular phenotype. Last evaluated: 2022-05-15. Review status: criteria provided, single submitter. Criteria: Ambry Variant Classification Scheme 2023. Collection method: clinical testing. Allele origin: germline.

GeneDx
Classification: Likely benign. Last evaluated: 2019-07-12. Review status: criteria provided, single submitter. Criteria: GeneDx Variant Classification Process June 2021. Collection method: clinical testing. Allele origin: germline. Affected: yes.